The following is an entry in ClinVar:

ClinVar aggregate classification (germline): Benign. Review status: reviewed by expert panel (3 of 4 stars). 33 submissions from 31 submitters: Benign (1). 32 of the submissions do not count toward it. Last evaluated 2015-01-12.

Conditions:
Prostate cancer. Also called: Malignant tumor of prostate. Identifiers: Orphanet 1331, MedGen C0376358, MONDO:0008315, HP:0012125.
Glioma susceptibility 3 (GLM3). Also called: Glioblastoma 3. Identifiers: Orphanet 182067, Orphanet 360, MedGen C2751641, MONDO:0013093, OMIM 613029.
Pancreatic cancer, susceptibility to, 2. Identifiers: Orphanet 1333, MedGen C3150546, MONDO:0013235, OMIM 613347.
Medulloblastoma (MDB). Also called: MEDULLOBLASTOMA PREDISPOSITION SYNDROME; Medulloblastoma, somatic. Identifiers: Orphanet 616, MedGen C0025149, MeSH D008527, MONDO:0007959, OMIM 155255, HP:0002885.
Breast-ovarian cancer, familial, susceptibility to, 2 (BROVCA2). Also called: BRCA2 Hereditary Breast and Ovarian Cancer. Identifiers: Orphanet 145, MedGen C2675520, MONDO:0012933, OMIM 612555. Disease mechanism: loss of function.
Familial cancer of breast. Also called: Hereditary breast cancer; hereditary breast carcinoma; BREAST CANCER, FAMILIAL. Identifiers: Orphanet 227535, MedGen C0346153, MONDO:0016419, OMIM 114480. Disease mechanism: loss of function.
Wilms tumor 1 (WT1). Also called: Wilms tumor, somatic. Identifiers: Orphanet 654, MedGen CN033288, MONDO:0008679, OMIM 194070.
Fanconi anemia complementation group D1. Also called: BRCA2-Related Fanconi Anemia. Identifiers: Orphanet 319462, MedGen C1838457, MONDO:0011584, OMIM 605724.
Breast and/or ovarian cancer. Identifiers: MedGen CN221562.
Hereditary cancer-predisposing syndrome. Also called: Neoplastic Syndromes, Hereditary; Tumor predisposition; Hereditary neoplastic syndrome; Hereditary Cancer Syndrome. Identifiers: Orphanet 140162, MedGen C0027672, MeSH D009386, MONDO:0015356.
Hereditary breast ovarian cancer syndrome. Also called: Breast and ovarian cancer; BRCA1- and BRCA2-Associated Hereditary Breast and Ovarian Cancer; Hereditary breast and/or ovarian cancer syndrome; Hereditary breast and ovarian cancer syndrome; Hereditary breast and ovarian cancer; Hereditary breast and ovarian cancer syndrome (HBOC). Identifiers: Orphanet 145, MedGen C0677776, MeSH D061325, MONDO:0003582. Disease mechanism: loss of function.
Malignant tumor of breast. Also called: Malignant breast neoplasm; Cancer breast. Identifiers: MedGen C0006142, MONDO:0007254. Disease mechanism: loss of function.

Allele frequency attached by ClinVar (database versions not stated): gnomAD exomes 0.00180; ExAC 0.00233; 1000 Genomes Project 0.00679; gnomAD 0.00724 and 0.00791; 1000 Genomes Project 30x 0.00734; TOPMed 0.00807; ESP Exome Variant Server 0.00830.
gnomAD v4.1: 2,137 of 1,613,910 alleles (0.13%); highest among the groups gnomAD compares: African/African-American, 2.5%; 23 homozygotes.

Submissions 1 to 18 of 33:

Evidence-based Network for the Interpretation of Germline Mutant Alleles (ENIGMA)
Classification: Benign for Breast-ovarian cancer, familial 2. Last evaluated: 2015-01-12. Review status: reviewed by expert panel. Criteria: ENIGMA BRCA1/2 Classification Criteria (2015). Collection method: curation. Allele origin: germline.
Comment: Class 1 not pathogenic based on frequency >1% in an outbred sampleset. Frequency 0.02642 (African), derived from 1000 genomes (2012-04-30).

CeGaT Center for Human Genetics Tuebingen
Classification: Benign. Last evaluated: 2026-08-01. Review status: criteria provided, single submitter. Criteria: CeGaT Center For Human Genetics Tuebingen Variant Classification Criteria Version 2. Collection method: clinical testing. Allele origin: germline. Affected: yes. Observed: 8 variant alleles. Not counted in ClinVar's aggregate classification.
Comment: BRCA2: BP4, BS1, BS2

Labcorp Genetics (formerly Invitae), Labcorp
Classification: Benign for Hereditary breast ovarian cancer syndrome. Last evaluated: 2026-02-04. Review status: criteria provided, single submitter. Criteria: Invitae Variant Classification Sherloc (09022015). Collection method: clinical testing. Allele origin: germline. Not counted in ClinVar's aggregate classification.

ARUP Laboratories, Molecular Genetics and Genomics, ARUP Laboratories
Classification: Benign. Last evaluated: 2025-04-01. Review status: criteria provided, single submitter. Criteria: ARUP Molecular Germline Variant Investigation Process 2024. Collection method: clinical testing. Allele origin: germline. Not counted in ClinVar's aggregate classification.

Center for Genomic Medicine, Rigshospitalet, Copenhagen University Hospital
Classification: Benign. Last evaluated: 2025-03-04. Review status: criteria provided, single submitter. Criteria: ACMG Guidelines, 2015. Collection method: clinical testing. Allele origin: germline. Not counted in ClinVar's aggregate classification.

KCCC/NGS Laboratory, Kuwait Cancer Control Center
Classification: Benign for Familial cancer of breast. Last evaluated: 2025-02-01. Review status: criteria provided, single submitter. Criteria: ACMG Guidelines, 2015. Collection method: clinical testing. Allele origin: germline. Affected: no. Not counted in ClinVar's aggregate classification.

Dasa
Classification: Benign for Breast-ovarian cancer, familial, susceptibility to, 2. Last evaluated: 2024-12-07. Review status: criteria provided, single submitter. Criteria: DASA Assertion Criteria. Collection method: clinical testing. Allele origin: germline. Not counted in ClinVar's aggregate classification.
Comment: NM_000059.4(BRCA2):c.5418A>G (p.Glu1806=) is a synonymous variant predicted not to alter the encoded amino acid sequence. Population frequency is inconsistent with a disease-causing role for this variant, observations in unaffected individuals support a benign interpretation, and the variant context is inconsistent with a known disease-causing mechanism. Therefore, based on the currently available evidence, this variant is classified as benign.

Blueprint Genetics
Classification: Likely benign. Last evaluated: 2024-11-25. Review status: criteria provided, single submitter. Criteria: ACMG Guidelines, 2015. Collection method: clinical testing. Allele origin: germline. Not counted in ClinVar's aggregate classification.

KCCC/NGS Laboratory, Kuwait Cancer Control Center
Classification: Benign for Breast-ovarian cancer, familial, susceptibility to, 2. Last evaluated: 2023-07-07. Review status: criteria provided, single submitter. Criteria: ACMG Guidelines, 2015. Collection method: clinical testing. Allele origin: germline. Affected: yes. Not counted in ClinVar's aggregate classification.

National Health Laboratory Service, Universitas Academic Hospital and University of the Free State
Classification: Benign for Hereditary breast ovarian cancer syndrome. Last evaluated: 2022-04-19. Review status: criteria provided, single submitter. Criteria: ACMG Guidelines, 2015. Collection method: clinical testing. Allele origin: germline. Affected: yes. Observed: 53 variant alleles. Not counted in ClinVar's aggregate classification.

Fulgent Genetics
Classification: Benign for Familial cancer of breast; Medulloblastoma; Familial prostate cancer; Wilms tumor 1; Fanconi anemia complementation group D1; Breast-ovarian cancer, familial, susceptibility to, 2; Glioma susceptibility 3; Pancreatic cancer, susceptibility to, 2. Last evaluated: 2022-04-13. Review status: criteria provided, single submitter. Criteria: ACMG Guidelines, 2015. Collection method: clinical testing. Allele origin: unknown. Not counted in ClinVar's aggregate classification.

Genetics Program, Instituto Nacional de Cancer
Classification: Benign for Hereditary breast ovarian cancer syndrome. Last evaluated: 2021-11-01. Review status: criteria provided, single submitter. Criteria: ACMG Guidelines, 2015. Collection method: research. Allele origin: germline. Affected: yes. Not counted in ClinVar's aggregate classification.

Sema4
Classification: Benign for Hereditary cancer-predisposing syndrome. Last evaluated: 2020-06-25. Review status: criteria provided, single submitter. Criteria: Sema4 Curation Guidelines. Collection method: curation. Allele origin: germline. Not counted in ClinVar's aggregate classification.

Illumina Laboratory Services, Illumina
Classification: Benign for Breast-ovarian cancer, familial, susceptibility to, 2. Last evaluated: 2018-01-13. Review status: criteria provided, single submitter. Criteria: ICSL Variant Classification Criteria 13 December 2019. Collection method: clinical testing. Allele origin: germline. Not counted in ClinVar's aggregate classification.
Comment: This variant was observed in the ICSL laboratory as part of a predisposition screen in an ostensibly healthy population. It had not been previously curated by ICSL or reported in the Human Gene Mutation Database (HGMD: prior to June 1st, 2018), and was therefore a candidate for classification through an automated scoring system. Utilizing variant allele frequency, disease prevalence and penetrance estimates, and inheritance mode, an automated score was calculated to assess if this variant is too frequent to cause the disease. Based on the score and internal cut-off values, a variant classified as benign is not then subjected to further curation. The score for this variant resulted in a classification of benign for this disease.

Illumina Laboratory Services, Illumina
Classification: Benign for Fanconi anemia complementation group D1. Last evaluated: 2018-01-13. Review status: criteria provided, single submitter. Criteria: ICSL Variant Classification Criteria 13 December 2019. Collection method: clinical testing. Allele origin: germline. Not counted in ClinVar's aggregate classification.
Comment: the same text as in the submission from Illumina Laboratory Services, Illumina above.

Cancer Genetics and Genomics Laboratory, British Columbia Cancer Agency
Classification: Benign. Last evaluated: 2017-04-18. Review status: criteria provided, single submitter. Criteria: ACMG Guidelines, 2015. Collection method: clinical testing. Allele origin: germline. Study: The Canadian Open Genetics Repository (COGR). Not counted in ClinVar's aggregate classification.

PreventionGenetics, part of Exact Sciences
Classification: Benign. Last evaluated: 2017-04-13. Review status: criteria provided, single submitter. Criteria: ACMG Guidelines, 2015. Collection method: clinical testing. Allele origin: germline. Not counted in ClinVar's aggregate classification.

Baylor Genetics
Classification: Benign for Familial cancer of breast. Last evaluated: 2017-02-23. Review status: criteria provided, single submitter. Criteria: ACMG Guidelines, 2015. Collection method: clinical testing. Allele origin: germline. Inheritance: Autosomal dominant inheritance. Affected: no. Not counted in ClinVar's aggregate classification.

NM_000059.4(BRCA2):c.5418A>G (p.Glu1806=)

Gene: BRCA2 (BRCA2 DNA repair associated; plus strand). Cytogenetic location: 13q13.1.
Variant type: single nucleotide variant.
Coding change: c.5418A>G on transcript NM_000059.4 (MANE Select); coding-DNA position 5418, A replaced by G.
Protein change: p.Glu1806=; no amino-acid change (glutamic acid 1806 retained).
Molecular consequence: synonymous variant.
Genome position (GRCh38, 1-based): chr13:32,339,773, A>G. VCF-style: chr13-32339773-A-G. GRCh37 (hg19) VCF-style: chr13-32913910-A-G.
Other names: 5646 A>G; NP_000050.3:p.Glu1806=.
Identifiers: ClinVar variation 132781 (VCV000132781.119), dbSNP rs34351119, ClinGen allele CA022290.